The following is an entry in ClinVar:

NM_144687.4(NLRP12):c.2831G>A (p.Arg944Gln)

Gene: NLRP12 (NLR family pyrin domain containing 12; minus strand). Cytogenetic location: 19q13.42.
Variant type: single nucleotide variant.
Coding change: c.2831G>A on transcript NM_144687.4 (MANE Select); coding-DNA position 2831, G replaced by A.
Protein change: p.Arg944Gln; replaces arginine 944 with glutamine.
Molecular consequence: missense variant. On other transcripts: intron variant (1).
Genome position (GRCh38, 1-based): chr19:53,798,339, C>T on the plus strand (G>A on the coding strand, the complement: NLRP12 is on the minus strand). VCF-style: chr19-53798339-C-T. GRCh37 (hg19) VCF-style: chr19-54301593-C-T.
Other names: c.2834G>A, p.Arg945Gln (NM_001277126.2); c.2757-2310G>A (NM_001277129.1); c.2831G>A (NM_144687.2); short protein forms R944Q, R945Q.
Identifiers: ClinVar variation 330006 (VCV000330006.12), dbSNP rs200742741, ClinGen allele CA9638888.

ClinVar aggregate classification (germline): Conflicting classifications of pathogenicity. Review status: criteria provided, conflicting classifications (1 of 4 stars). 3 submissions from 3 submitters: Uncertain significance (2); Likely benign (1). Last evaluated 2025-11-13.

Conditions:
Inborn genetic diseases. Identifiers: MedGen C0950123, MeSH D030342.
Familial cold autoinflammatory syndrome 2 (FCAS2). Identifiers: Orphanet 247868, MedGen C2673198, MONDO:0012724, OMIM 611762.

Allele frequency attached by ClinVar (database versions not stated): gnomAD 0.00007 and 0.00009; TOPMed 0.00007; gnomAD exomes 0.00008; ExAC 0.00011; ESP Exome Variant Server 0.00015.
gnomAD v4.1: 131 of 1,613,962 alleles (0.0081%); highest among the groups gnomAD compares: Non-Finnish European, 0.0097%; no homozygotes.

Submissions (3):

Labcorp Genetics (formerly Invitae), Labcorp
Classification: Uncertain significance for Familial cold autoinflammatory syndrome 2. Last evaluated: 2025-11-13. Review status: criteria provided, single submitter. Criteria: Invitae Variant Classification Sherloc (09022015). Collection method: clinical testing. Allele origin: germline.
Comment: This sequence change replaces arginine, which is basic and polar, with glutamine, which is neutral and polar, at codon 944 of the NLRP12 protein (p.Arg944Gln). This variant is present in population databases (rs200742741, gnomAD 0.01%). This variant has not been reported in the literature in individuals affected with NLRP12-related conditions. ClinVar contains an entry for this variant (Variation ID: 330006). An algorithm developed to predict the effect of missense changes on protein structure and function outputs the following: PolyPhen-2: "Benign". The glutamine amino acid residue is found in multiple mammalian species, which suggests that this missense change does not adversely affect protein function. In summary, the available evidence is currently insufficient to determine the role of this variant in disease. Therefore, it has been classified as a Variant of Uncertain Significance.

Ambry Genetics
Classification: Uncertain significance for Inborn genetic diseases. Last evaluated: 2025-03-17. Review status: criteria provided, single submitter. Criteria: Ambry Variant Classification Scheme 2023. Collection method: clinical testing. Allele origin: germline.

Illumina Laboratory Services, Illumina
Classification: Likely benign for Familial cold autoinflammatory syndrome 2. Last evaluated: 2018-01-13. Review status: criteria provided, single submitter. Criteria: ICSL Variant Classification Criteria 13 December 2019. Collection method: clinical testing. Allele origin: germline.
Comment: This variant was observed in the ICSL laboratory as part of a predisposition screen in an ostensibly healthy population. It had not been previously curated by ICSL or reported in the Human Gene Mutation Database (HGMD: prior to June 1st, 2018), and was therefore a candidate for classification through an automated scoring system. Utilizing variant allele frequency, disease prevalence and penetrance estimates, and inheritance mode, an automated score was calculated to assess if this variant is too frequent to cause the disease. Based on the score and internal cut-off values, a variant classified as likely benign is not then subjected to further curation. The score for this variant resulted in a classification of likely benign for this disease.